The following is an entry in ClinVar:

NM_001374828.1(ARID1B):c.4623del (p.Ile1542fs)

Gene: ARID1B (AT-rich interaction domain 1B; plus strand). Cytogenetic location: 6q25.3.
Variant type: Deletion.
Coding change: c.4623del on transcript NM_001374828.1 (MANE Select); coding-DNA position 4623, one base deleted (C; older notation c.4623delC).
Protein change: p.Ile1542fs; shifts the reading frame from isoleucine 1542.
Molecular consequence: frameshift variant.
Genome position (GRCh38, 1-based): chr6:157,200,848, C deleted; the last of 3 consecutive C bases (chr6:157,200,846-157,200,848); deleting any one gives the same sequence. VCF-style (leftmost placement, unchanged base first): chr6-157200845-GC-G. GRCh37 (hg19) VCF-style: chr6-157521979-GC-G.
Other names: c.2124del, p.Ile709fs (NM_001363725.2); c.4503del, p.Ile1502fs (NM_001371656.1, NM_001374820.1); c.4464del, p.Ile1489fs (NM_017519.3); c.4254delC (NM_020732.3); short protein forms I1542fs, I709fs, I1489fs, I1502fs.
Identifiers: ClinVar variation 3724481 (VCV003724481.3).
Genomic context (GRCh38, chr6:157,200,845, plus strand): 5'-CAGCCAGCAGCAGGAGATGTACAACCAGTATGGAGGCTCCTACTCGGGCCCGGACCGCAG[GC>G]CCATCCAGGGCCAGTACCCGTATCCCTACAGCAGGGAGAGGATGCAGGGCCCGGGGCAGA-3'

ClinVar aggregate classification (germline): Pathogenic. Review status: criteria provided, multiple submitters, no conflicts (2 of 4 stars). 2 submissions from 2 submitters: Pathogenic (2). Last evaluated 2026-06-22.

Conditions:
Inborn genetic diseases. Identifiers: MedGen C0950123, MeSH D030342.

Submissions (2):

Ambry Genetics
Classification: Pathogenic for Inborn genetic diseases. Last evaluated: 2026-06-22. Review status: criteria provided, single submitter. Criteria: Ambry Variant Classification Scheme 2023. Collection method: clinical testing. Allele origin: germline.
Comment: The c.4254delC (p.I1419Sfs*29) alteration, located in exon 18 (coding exon 18) of the ARID1B gene, consists of a deletion of one nucleotide at position 4254, causing a translational frameshift with a predicted alternate stop codon after 29 amino acids. This variant is expected to result in loss of function by premature protein truncation or nonsense-mediated mRNA decay. This variant was not reported in population-based cohorts in the Genome Aggregation Database (gnomAD). Based on the available evidence, this alteration is classified as pathogenic.

Labcorp Genetics (formerly Invitae), Labcorp
Classification: Pathogenic. Last evaluated: 2024-11-03. Review status: criteria provided, single submitter. Criteria: Invitae Variant Classification Sherloc (09022015). Collection method: clinical testing. Allele origin: germline.
Comment: This sequence change creates a premature translational stop signal (p.Ile1419Serfs*29) in the ARID1B gene. It is expected to result in an absent or disrupted protein product. Loss-of-function variants in ARID1B are known to be pathogenic (PMID: 25674384, 30349098). This variant is not present in population databases (gnomAD no frequency). This variant has not been reported in the literature in individuals affected with ARID1B-related conditions. For these reasons, this variant has been classified as Pathogenic.

Literature cited by the submitters: PubMed 25674384 (cited by Labcorp Genetics (formerly Invitae), Labcorp); PubMed 30349098 (cited by Labcorp Genetics (formerly Invitae), Labcorp).